The following is an entry in ClinVar:

NM_000051.4(ATM):c.3935dup (p.Glu1313fs)

Gene: ATM (ATM serine/threonine kinase; plus strand). Cytogenetic location: 11q22.3.
Variant type: Duplication.
Coding change: c.3935dup on transcript NM_000051.4 (MANE Select); coding-DNA position 3935, one base duplicated (G; older notation c.3935dupG).
Protein change: p.Glu1313fs; shifts the reading frame from glutamic acid 1313.
Molecular consequence: frameshift variant.
Genome position (GRCh38, 1-based): chr11:108,284,415, G duplicated. VCF-style (leftmost placement, unchanged base first): chr11-108284414-A-AG. GRCh37 (hg19) VCF-style: chr11-108155141-A-AG.
Other names: c.3935dupG (NM_000051.3); c.3935dup, p.Glu1313fs (NM_001351834.2); short protein forms E1313fs.
Identifiers: ClinVar variation 232284 (VCV000232284.20), dbSNP rs876659672, ClinGen allele CA10579128.

ClinVar aggregate classification (germline): Pathogenic/Likely pathogenic. Review status: criteria provided, multiple submitters, no conflicts (2 of 4 stars). 7 submissions from 7 submitters: Pathogenic (5); Likely pathogenic (1). 1 of the submissions does not count toward it. Last evaluated 2024-05-07.

Conditions:
Hereditary cancer-predisposing syndrome. Also called: Hereditary Cancer Syndrome; Neoplastic Syndromes, Hereditary; Tumor predisposition; Hereditary neoplastic syndrome. Identifiers: Orphanet 140162, MedGen C0027672, MeSH D009386, MONDO:0015356.
Familial cancer of breast. Also called: Hereditary breast cancer; hereditary breast carcinoma; BREAST CANCER, FAMILIAL. Identifiers: Orphanet 227535, MedGen C0346153, MONDO:0016419, OMIM 114480. Disease mechanism: loss of function.
Ataxia-telangiectasia syndrome (AT). Also called: Ataxia telangiectasia (A-T); Ataxia-telangiectasia, complementation group E; LOUIS-BAR SYNDROME; Cerebello-oculocutaneous telangiectasia; Immunodeficiency with ataxia telangiectasia; Ataxia-telangiectasia, complementation group D. Identifiers: Orphanet 100, MedGen C0004135, MONDO:0008840, OMIM 208900.

Allele frequency attached by ClinVar (database versions not stated): gnomAD exomes below 0.00001.

Submissions (7):

Labcorp Genetics (formerly Invitae), Labcorp
Classification: Pathogenic for Ataxia-telangiectasia syndrome. Last evaluated: 2024-05-07. Review status: criteria provided, single submitter. Criteria: Invitae Variant Classification Sherloc (09022015). Collection method: clinical testing. Allele origin: germline.
Comment: This sequence change creates a premature translational stop signal (p.Glu1313Argfs*8) in the ATM gene. It is expected to result in an absent or disrupted protein product. Loss-of-function variants in ATM are known to be pathogenic (PMID: 23807571, 25614872). This variant is not present in population databases (gnomAD no frequency). This variant has not been reported in the literature in individuals affected with ATM-related conditions. ClinVar contains an entry for this variant (Variation ID: 232284). For these reasons, this variant has been classified as Pathogenic.

Myriad Genetics, Inc.
Classification: Pathogenic for Familial cancer of breast. Last evaluated: 2024-01-23. Review status: criteria provided, single submitter. Criteria: Myriad Autosomal Dominant, Autosomal Recessive and X-Linked Classification Criteria (2023). Collection method: clinical testing. Allele origin: unknown.
Comment: This variant is considered pathogenic. This variant creates a frameshift predicted to result in premature protein truncation.

Baylor Genetics
Classification: Likely pathogenic for Familial cancer of breast. Last evaluated: 2023-10-04. Review status: criteria provided, single submitter. Criteria: ACMG Guidelines, 2015. Collection method: clinical testing. Allele origin: unknown.

GeneDx
Classification: Pathogenic. Last evaluated: 2022-10-24. Review status: criteria provided, single submitter. Criteria: GeneDx Variant Classification Process June 2021. Collection method: clinical testing. Allele origin: germline. Affected: yes.
Comment: Frameshift variant predicted to result in protein truncation or nonsense mediated decay in a gene for which loss-of-function is a known mechanism of disease; Not observed at significant frequency in large population cohorts (gnomAD); Observed in individuals with a personal or family history consistent with pathogenic variants in this gene referred for genetic testing at GeneDx; Truncating variants in this gene are considered pathogenic by a well-established clinical consortium and/or database; This variant is associated with the following publications: (PMID: 27449771)

Color Diagnostics, LLC DBA Color Health
Classification: Pathogenic for Hereditary cancer-predisposing syndrome. Last evaluated: 2022-07-26. Review status: criteria provided, single submitter. Criteria: ACMG Guidelines, 2015. Collection method: clinical testing. Allele origin: germline.
Comment: This variant inserts 1 nucleotide in exon 26 of the ATM gene, creating a frameshift and premature translation stop signal. This variant is expected to result in an absent or non-functional protein product. To our knowledge, this variant has not been reported in individuals affected with hereditary cancer in the literature. This variant has not been identified in the general population by the Genome Aggregation Database (gnomAD). Loss of ATM function is a known mechanism of disease. Based on the available evidence, this variant is classified as Pathogenic.

Ambry Genetics
Classification: Pathogenic for Hereditary cancer-predisposing syndrome. Last evaluated: 2021-09-13. Review status: criteria provided, single submitter. Criteria: Ambry Variant Classification Scheme 2023. Collection method: clinical testing. Allele origin: germline.
Comment: The c.3935dupG pathogenic mutation, located in coding exon 25 of the ATM gene, results from a duplication of one nucleotide at position 3935, causing a translational frameshift with a predicted alternate stop codon (p.E1313Rfs*8). This alteration is expected to result in loss of function by premature protein truncation or nonsense-mediated mRNA decay. As such, this alteration is interpreted as a disease-causing mutation.

Counsyl
Classification: Likely pathogenic for Ataxia-telangiectasia syndrome. Last evaluated: 2016-01-18. Review status: no assertion criteria provided. Collection method: clinical testing. Allele origin: unknown. Not counted in ClinVar's aggregate classification.

Literature cited by the submitters: PubMed 23807571 (cited by Labcorp Genetics (formerly Invitae), Labcorp); PubMed 25614872 (cited by Labcorp Genetics (formerly Invitae), Labcorp).